The following is an entry in ClinVar:

NM_002661.5(PLCG2):c.3283G>A (p.Asp1095Asn)

Gene: PLCG2 (phospholipase C gamma 2; plus strand). Cytogenetic location: 16q23.3.
Variant type: single nucleotide variant.
Coding change: c.3283G>A on transcript NM_002661.5 (MANE Select); coding-DNA position 3283, G replaced by A.
Protein change: p.Asp1095Asn; replaces aspartic acid 1095 with asparagine.
Molecular consequence: missense variant.
Genome position (GRCh38, 1-based): chr16:81,938,885, G>A. VCF-style: chr16-81938885-G-A. GRCh37 (hg19) VCF-style: chr16-81972490-G-A.
Other names: c.3283G>A, p.Asp1095Asn (NM_001425749.1, NM_001425750.1, NM_001425751.1); short protein forms D1095N.
Identifiers: ClinVar variation 4975515 (VCV004975515.1).
Genomic context (GRCh38, chr16:81,938,885, plus strand): 5'-AAACTTGGACGAAGTATTGCCTGTCCCTTTGTAGAAGTGGAGATCTGTGGAGCCGAGTAT[G>A]ACAACAACAAGTTCAAGACGACGGTTGTGAGTAAGTCAGTCACCTTGGCCCCTCTGCTTT-3'
Protein context (NP_002652.2, residues 1085-1105): VEVEICGAEY[Asp1095Asn]NNKFKTTVVN

ClinVar aggregate classification (germline): Uncertain significance (1 of 4 stars; one submission).

Submission:

GeneDx
Classification: Uncertain significance. Last evaluated: 2026-01-25. Review status: criteria provided, single submitter. Criteria: GeneDx Variant Classification Process June 2021. Collection method: clinical testing. Allele origin: germline.
Comment: Not observed at significant frequency in large population cohorts (gnomAD); In silico analysis supports that this missense variant has a deleterious effect on protein structure/function; Has not been previously published as pathogenic or benign to our knowledge